The following is an entry in ClinVar:

ClinVar aggregate classification (germline): Uncertain significance. Review status: criteria provided, multiple submitters, no conflicts (2 of 4 stars). 3 submissions from 3 submitters: Uncertain significance (3). Last evaluated 2024-11-23.

Conditions:
Inborn genetic diseases. Identifiers: MedGen C0950123, MeSH D030342.
Fanconi anemia (FA). Also called: Fanconi's anemia. Identifiers: Orphanet 84, MedGen C0015625, MeSH D005199, MONDO:0019391.

Allele frequency attached by ClinVar (database versions not stated): gnomAD exomes below 0.00001 and 0.00002; ExAC 0.00001; gnomAD 0.00001; TOPMed 0.00001; ESP Exome Variant Server 0.00008.
gnomAD v4.1: 28 of 1,613,470 alleles (0.0017%); highest among the groups gnomAD compares: Non-Finnish European, 0.0024%; no homozygotes.

Submissions (3):

Ambry Genetics
Classification: Uncertain significance for Inborn genetic diseases. Last evaluated: 2024-11-23. Review status: criteria provided, single submitter. Criteria: Ambry Variant Classification Scheme 2023. Collection method: clinical testing. Allele origin: germline.
Comment: The p.Q1303K variant (also known as c.3907C>A), located in coding exon 14 of the FANCM gene, results from a C to A substitution at nucleotide position 3907. The glutamine at codon 1303 is replaced by lysine, an amino acid with similar properties. This amino acid position is conserved. In addition, this alteration is predicted to be tolerated by in silico analysis. Based on the available evidence, the clinical significance of this variant remains unclear.

GeneDx
Classification: Uncertain significance. Last evaluated: 2023-08-10. Review status: criteria provided, single submitter. Criteria: GeneDx Variant Classification Process June 2021. Collection method: clinical testing. Allele origin: germline. Affected: yes.
Comment: Not observed at significant frequency in large population cohorts (gnomAD); In silico analysis supports that this missense variant does not alter protein structure/function; Has not been previously published as pathogenic or benign to our knowledge

Labcorp Genetics (formerly Invitae), Labcorp
Classification: Uncertain significance for Fanconi anemia. Last evaluated: 2021-06-09. Review status: criteria provided, single submitter. Criteria: Invitae Variant Classification Sherloc (09022015). Collection method: clinical testing. Allele origin: germline.
Comment: This sequence change replaces glutamine with lysine at codon 1303 of the FANCM protein (p.Gln1303Lys). The glutamine residue is weakly conserved and there is a small physicochemical difference between glutamine and lysine. This variant is present in population databases (rs369549739, ExAC 0.002%). This variant has not been reported in the literature in individuals with FANCM-related conditions. Algorithms developed to predict the effect of missense changes on protein structure and function (SIFT, PolyPhen-2, Align-GVGD) all suggest that this variant is likely to be tolerated, but these predictions have not been confirmed by published functional studies and their clinical significance is uncertain. In summary, the available evidence is currently insufficient to determine the role of this variant in disease. Therefore, it has been classified as a Variant of Uncertain Significance.

NM_020937.4(FANCM):c.3907C>A (p.Gln1303Lys)

Gene: FANCM (FA complementation group M; plus strand). Cytogenetic location: 14q21.2.
Variant type: single nucleotide variant.
Coding change: c.3907C>A on transcript NM_020937.4 (MANE Select); coding-DNA position 3907, C replaced by A.
Protein change: p.Gln1303Lys; replaces glutamine 1303 with lysine.
Molecular consequence: missense variant.
Genome position (GRCh38, 1-based): chr14:45,176,661, C>A. VCF-style: chr14-45176661-C-A. GRCh37 (hg19) VCF-style: chr14-45645864-C-A.
Other names: c.3829C>A, p.Gln1277Lys (NM_001308133.2); short protein forms Q1277K, Q1303K.
Identifiers: ClinVar variation 1313578 (VCV001313578.12), dbSNP rs369549739, ClinGen allele CA7169596.